The following is an entry in ClinVar:

ClinVar aggregate classification (germline): Uncertain significance. Review status: criteria provided, single submitter (1 of 4 stars). 2 submissions from 2 submitters: Uncertain significance (1). 1 of the submissions does not count toward it. Last evaluated 2024-06-13.

Conditions:
Polycystic kidney disease, adult type (PKD1). Also called: Polycystic Kidney, Autosomal Dominant; POLYCYSTIC KIDNEY DISEASE 1 WITH OR WITHOUT POLYCYSTIC LIVER DISEASE; POLYCYSTIC KIDNEY DISEASE, ADULT, TYPE I; Polycystic Kidney Disease 1, Autosomal Dominant; Polycystic kidney disease 1; Polycystic kidney disease 1, severe. Identifiers: MedGen C3149841, MONDO:0008263, OMIM 173900.
PKD1-related disorder. Also called: PKD1-related condition.

gnomAD v4.1: 38 of 1,573,206 alleles (0.0024%); highest among the groups gnomAD compares: South Asian, 0.043%; 1 homozygote.

Submissions (2):

Department of Pathology and Laboratory Medicine, Sinai Health System
Classification: Uncertain significance for Polycystic kidney disease, adult type. Last evaluated: 2024-06-13. Review status: criteria provided, single submitter. Criteria: ACMG Guidelines, 2015. Collection method: clinical testing. Allele origin: germline. Affected: yes.

PreventionGenetics, part of Exact Sciences
Classification: Likely benign for PKD1-related condition. Last evaluated: 2024-08-12. Review status: no assertion criteria provided. Collection method: clinical testing. Allele origin: germline. Not counted in ClinVar's aggregate classification.
Comment: This variant is classified as likely benign based on ACMG/AMP sequence variant interpretation guidelines (Richards et al. 2015 PMID: 25741868, with internal and published modifications).

NM_001009944.3(PKD1):c.3571C>G (p.Leu1191Val)

Gene: PKD1 (polycystin 1, transient receptor potential channel interacting; minus strand). Cytogenetic location: 16p13.3.
Variant type: single nucleotide variant.
Coding change: c.3571C>G on transcript NM_001009944.3 (MANE Select); coding-DNA position 3571, C replaced by G.
Protein change: p.Leu1191Val; replaces leucine 1191 with valine.
Molecular consequence: missense variant.
Genome position (GRCh38, 1-based): chr16:2,111,596, G>C on the plus strand (C>G on the coding strand, the complement: PKD1 is on the minus strand). VCF-style: chr16-2111596-G-C. GRCh37 (hg19) VCF-style: chr16-2161597-G-C.
Other names: c.3571C>G, p.Leu1191Val (NM_000296.4); short protein forms L1191V.
Identifiers: ClinVar variation 3351174 (VCV003351174.2).